The following is an entry in ClinVar:

ClinVar aggregate classification (germline): Uncertain significance (1 of 4 stars; one submission).

Conditions:
Hyperphosphatasia with intellectual disability syndrome 5 (GPIBD11). Also called: GLYCOSYLPHOSPHATIDYLINOSITOL BIOSYNTHESIS DEFECT 11. Identifiers: Orphanet 247262, MedGen C4014958, MONDO:0014457, OMIM 616025.

Allele frequency attached by ClinVar (database versions not stated): gnomAD exomes below 0.00001.
gnomAD v4.1: 1 of 1,614,114 alleles (0.000062%); no homozygotes.

Submission:

Labcorp Genetics (formerly Invitae), Labcorp
Classification: Uncertain significance for Hyperphosphatasia with intellectual disability syndrome 5. Last evaluated: 2020-06-10. Review status: criteria provided, single submitter. Criteria: Invitae Variant Classification Sherloc (09022015). Collection method: clinical testing. Allele origin: germline.
Comment: Algorithms developed to predict the effect of missense changes on protein structure and function output the following: SIFT: "Tolerated"; PolyPhen-2: "Benign"; Align-GVGD: "Class C0". The leucine amino acid residue is found in multiple mammalian species, suggesting that this missense change does not adversely affect protein function. These predictions have not been confirmed by published functional studies and their clinical significance is uncertain. In summary, the available evidence is currently insufficient to determine the role of this variant in disease. Therefore, it has been classified as a Variant of Uncertain Significance. This sequence change replaces valine with leucine at codon 313 of the PIGW protein (p.Val313Leu). The valine residue is moderately conserved and there is a small physicochemical difference between valine and leucine. This variant is not present in population databases (ExAC no frequency). This variant has not been reported in the literature in individuals with PIGW-related conditions.

NM_001346754.2(PIGW):c.937G>C (p.Val313Leu)

Genes: MYO19 (myosin XIX; minus strand), PIGW (phosphatidylinositol glycan anchor biosynthesis class W; plus strand). Cytogenetic location: 17q12.
Variant type: single nucleotide variant.
Coding change: c.937G>C on transcript NM_001346754.2 (MANE Select); coding-DNA position 937, G replaced by C.
Protein change: p.Val313Leu; replaces valine 313 with leucine.
Molecular consequence: missense variant.
Genome position (GRCh38, 1-based): chr17:36,538,038, G>C. VCF-style: chr17-36538038-G-C. GRCh37 (hg19) VCF-style: chr17-34893887-G-C.
Other names: c.937G>C, p.Val313Leu (NM_001346755.2, NM_178517.5); short protein forms V313L.
Identifiers: ClinVar variation 1056682 (VCV001056682.9), dbSNP rs2142619250, ClinGen allele CA399163896.
Genomic context (GRCh38, chr17:36,538,038, plus strand): 5'-GGCACACGGGTTGGTCTATTAAATGCCAACCGCGAAGGAATAATCTCTACCCTGGGGTAT[G>C]TGGCAATACACATGGCTGGTGTGCAAACAGGGTTATATATGCATAAGAACCGATCACATA-3'
Protein context (NP_001333683.1, residues 303-323): REGIISTLGY[Val313Leu]AIHMAGVQTG